The following is an entry in ClinVar:

ClinVar aggregate classification (germline): Conflicting classifications of pathogenicity. Review status: criteria provided, conflicting classifications (1 of 4 stars). 12 submissions from 12 submitters: Uncertain significance (8); Likely benign (3). 1 of the submissions does not count toward it. Last evaluated 2026-01-07.

Conditions:
VHL-related disorder. Also called: VHL-related condition.
Chuvash polycythemia. Also called: POLYCYTHEMIA, VHL-DEPENDENT. Identifiers: Orphanet 238557, MedGen C1837915, MONDO:0009892, OMIM 263400.
Von Hippel-Lindau syndrome (VHLS). Also called: VHL syndrome; von Hippel–Lindau syndrome; Von Hippel-Lindau. Identifiers: Orphanet 892, MedGen C0019562, MONDO:0008667, OMIM 193300. Disease mechanism: loss of function.
Hereditary cancer-predisposing syndrome. Also called: Neoplastic Syndromes, Hereditary; Tumor predisposition; Hereditary Cancer Syndrome; Hereditary neoplastic syndrome. Identifiers: Orphanet 140162, MedGen C0027672, MeSH D009386, MONDO:0015356.

Allele frequency attached by ClinVar (database versions not stated): ExAC 0.00005; gnomAD exomes 0.00006 and 0.00012; ESP Exome Variant Server 0.00008; TOPMed 0.00009; gnomAD 0.00012 and 0.00013; 1000 Genomes Project 0.00020; 1000 Genomes Project 30x 0.00031.
gnomAD v4.1: 188 of 1,613,804 alleles (0.012%); highest among the groups gnomAD compares: African/African-American, 0.017%; no homozygotes.

Submissions (12):

Labcorp Genetics (formerly Invitae), Labcorp
Classification: Uncertain significance for Von Hippel-Lindau syndrome; Chuvash polycythemia. Last evaluated: 2026-01-07. Review status: criteria provided, single submitter. Criteria: Invitae Variant Classification Sherloc (09022015). Collection method: clinical testing. Allele origin: germline.
Comment: This sequence change replaces arginine, which is basic and polar, with glutamine, which is neutral and polar, at codon 210 of the VHL protein (p.Arg210Gln). This variant is present in population databases (rs138780791, gnomAD 0.01%). This missense change has been observed in individual(s) with a glioma (PMID: 26580448). ClinVar contains an entry for this variant (Variation ID: 127828). Invitae Evidence Modeling of protein sequence and biophysical properties (such as structural, functional, and spatial information, amino acid conservation, physicochemical variation, residue mobility, and thermodynamic stability) has been performed for this missense variant. However, the output from this modeling did not meet the statistical confidence thresholds required to predict the impact of this variant on VHL protein function. In summary, the available evidence is currently insufficient to determine the role of this variant in disease. Therefore, it has been classified as a Variant of Uncertain Significance.

PreventionGenetics, part of Exact Sciences
Classification: Uncertain significance for VHL-related condition. Last evaluated: 2025-07-29. Review status: criteria provided, single submitter. Criteria: ACMG Guidelines, 2015. Collection method: clinical testing. Allele origin: germline.
Comment: The VHL c.629G>A variant is predicted to result in the amino acid substitution p.Arg210Gln. This variant has been reported in an individual with low grade glioma (Table S4a_AD, Zhang et al. 2015. PubMed ID: 26580448). This variant is reported in 0.016% of alleles in individuals of African descent in gnomAD and has conflicting interpretations of pathogenicity in ClinVar, ranging from likely benign to uncertain (Variation ID: 127828). Although we suspect that this variant may be benign, at this time, the clinical significance of this variant is uncertain due to the absence of conclusive functional and genetic evidence.

Myriad Genetics, Inc.
Classification: Likely benign for Von Hippel-Lindau syndrome. Last evaluated: 2025-06-13. Review status: criteria provided, single submitter. Criteria: Myriad Autosomal Dominant, Autosomal Recessive and X-Linked Classification Criteria (2023). Collection method: clinical testing. Allele origin: unknown.
Comment: This variant is considered likely benign. This variant has been observed at a population frequency that is significantly greater than expected given the associated disease prevalence and penetrance.

Center for Genomic Medicine, Rigshospitalet, Copenhagen University Hospital
Classification: Uncertain significance. Last evaluated: 2025-03-04. Review status: criteria provided, single submitter. Criteria: ACMG Guidelines, 2015. Collection method: clinical testing. Allele origin: germline.

St. Jude Molecular Pathology, St. Jude Children's Research Hospital
Classification: Uncertain significance for Von Hippel-Lindau syndrome. Last evaluated: 2025-02-05. Review status: criteria provided, single submitter. Criteria: St. Jude Assertion Criteria 2020. Collection method: clinical testing. Allele origin: germline.
Comment: The VHL c.629G>A p.(Arg210Gln) missense change has a maximum subpopulation frequency of 0.016% in gnomAD v2.1.1. The in silico tool REVEL is inconclusive about a pathogenic or benign effect of this variant on protein function, and to our knowledge functional studies have not been performed. This variant has been reported in individuals with pediatric glioma (PMID: 26580448, internal data). To our knowledge, this variant has not been reported in individuals with Von Hippel-Lindau disease. In summary, the evidence currently available is insufficient to determine the role of this variant in disease. It has therefore been classified as of uncertain significance.

All of Us Research Program, National Institutes of Health
Classification: Uncertain significance for Von Hippel-Lindau syndrome. Last evaluated: 2024-09-23. Review status: criteria provided, single submitter. Criteria: ACMG Guidelines, 2015. Collection method: clinical testing. Allele origin: germline. Inheritance: Autosomal dominant inheritance. Observed: 25 variant alleles, 25 heterozygotes.
Comment: This missense variant replaces arginine with glutamine at codon 210 of the VHL protein. Computational prediction suggests that this variant may not impact protein structure and function (internally defined REVEL score threshold <= 0.5, PMID: 27666373). To our knowledge, functional studies have not been reported for this variant. This variant has been reported in an individual affected with glioma (PMID: 26580448). This variant has been identified in 17/282174 chromosomes in the general population by the Genome Aggregation Database (gnomAD). The available evidence is insufficient to determine the role of this variant in disease conclusively. Therefore, this variant is classified as a Variant of Uncertain Significance.

This study involves interpretation of variants in research participants for the purpose of population health screening. Participant phenotype was not available at the time of variant classification. Additional details can be found in publication PMID: 35346344, PMCID: PMC8962531

Color Diagnostics, LLC DBA Color Health
Classification: Uncertain significance for Von Hippel-Lindau syndrome. Last evaluated: 2024-04-11. Review status: criteria provided, single submitter. Criteria: ACMG Guidelines, 2015. Collection method: clinical testing. Allele origin: germline.
Comment: This missense variant replaces arginine with glutamine at codon 210 of the VHL protein. Computational prediction suggests that this variant may not impact protein structure and function. To our knowledge, functional studies have not been reported for this variant. This variant has been reported in an individual affected with glioma (PMID: 26580448). This variant has been identified in 17/282174 chromosomes in the general population by the Genome Aggregation Database (gnomAD). The available evidence is insufficient to determine the role of this variant in disease conclusively. Therefore, this variant is classified as a Variant of Uncertain Significance.

Sema4
Classification: Uncertain significance for Hereditary cancer-predisposing syndrome. Last evaluated: 2022-02-05. Review status: criteria provided, single submitter. Criteria: Sema4 Curation Guidelines. Collection method: curation. Allele origin: germline.
Comment: The VHL c.629G>A (p.R210Q) variant has not been reported in the literature to our knowledge. It was observed in 4/24898 chromosomes of the African/African American (AFR) subpopulation in the large and broad cohorts of the Genome Aggregation Database (PMID: 32461654). This variant has been reported in ClinVar (Variation ID 127828). Functional studies have not been performed, and in silico predictions of the variant's effect on protein function are inconclusive. The evidence is insufficient to meet ACMG/AMP criteria for classifying the variant as benign or pathogenic. Thus, the clinical significance of this variant is currently uncertain.

Ambry Genetics
Classification: Likely benign for Hereditary cancer-predisposing syndrome. Last evaluated: 2019-02-28. Review status: criteria provided, single submitter. Criteria: Ambry Variant Classification Scheme 2023. Collection method: clinical testing. Allele origin: germline.

GeneDx
Classification: Likely benign. Last evaluated: 2019-02-27. Review status: criteria provided, single submitter. Criteria: GeneDx Variant Classification Process June 2021. Collection method: clinical testing. Allele origin: germline. Affected: yes.
Comment: This variant is associated with the following publications: (PMID: 26580448)

Illumina Laboratory Services, Illumina
Classification: Uncertain significance for Von Hippel-Lindau syndrome. Last evaluated: 2018-01-12. Review status: criteria provided, single submitter. Criteria: ICSL Variant Classification Criteria 13 December 2019. Collection method: clinical testing. Allele origin: germline.

Counsyl
Classification: Uncertain significance for Von Hippel-Lindau syndrome. Last evaluated: 2016-03-01. Review status: no assertion criteria provided. Collection method: clinical testing. Allele origin: unknown. Not counted in ClinVar's aggregate classification.

Literature cited by the submitters: PubMed 26580448 (cited by 6 submitters).

NM_000551.4(VHL):c.629G>A (p.Arg210Gln)

Genes: VHL (von Hippel-Lindau tumor suppressor; plus strand), LOC107303340 (3p25 von Hippel-Lindau tumor suppressor, E3 ubiquitin protein ligase Alu-mediated recombination region; plus strand). Cytogenetic location: 3p25.3.
Variant type: single nucleotide variant.
Coding change: c.629G>A on transcript NM_000551.4 (MANE Select); coding-DNA position 629, G replaced by A.
Protein change: p.Arg210Gln; replaces arginine 210 with glutamine.
Molecular consequence: missense variant. On other transcripts: 3 prime UTR variant (1).
Genome position (GRCh38, 1-based): chr3:10,149,952, G>A. VCF-style: chr3-10149952-G-A. GRCh37 (hg19) VCF-style: chr3-10191636-G-A.
Other names: p.R210Q:CGG>CAG; c.*183G>A (NM_001354723.2); c.506G>A, p.Arg169Gln (NM_198156.3); short protein forms R210Q, R169Q.
Identifiers: ClinVar variation 127828 (VCV000127828.40), dbSNP rs138780791, ClinGen allele CA020530.